The following is an entry in ClinVar:

ClinVar aggregate classification (germline): Conflicting classifications of pathogenicity. Review status: criteria provided, conflicting classifications (1 of 4 stars). 20 submissions from 20 submitters: Uncertain significance (1); Benign (6); Likely benign (6). 7 of the submissions do not count toward it. Last evaluated 2026-02-04.

Conditions:
Cardiovascular phenotype. Identifiers: MedGen CN230736.
Cardiomyopathy (CMYO). Also called: Cardiomyopathies. Identifiers: Orphanet 167848, MedGen C0878544, MONDO:0004994, HP:0001638. Inheritance: Various modes of inheritance.
Dilated cardiomyopathy 1W (CMD1W). Identifiers: Orphanet 154, MedGen C1969639, MONDO:0012667, OMIM 611407.

Allele frequency attached by ClinVar (database versions not stated): 1000 Genomes Project 30x 0.00016; 1000 Genomes Project 0.00020; TOPMed 0.00227; gnomAD exomes 0.00241 and 0.00449; gnomAD 0.00250 and 0.00256; ExAC 0.00254; ESP Exome Variant Server 0.00300.

Submissions (20):

Labcorp Genetics (formerly Invitae), Labcorp
Classification: Benign for Dilated cardiomyopathy 1W. Last evaluated: 2026-02-04. Review status: criteria provided, single submitter. Criteria: Invitae Variant Classification Sherloc (09022015). Collection method: clinical testing. Allele origin: germline.

Mayo Clinic Laboratories, Mayo Clinic
Classification: Likely benign. Last evaluated: 2025-05-08. Review status: criteria provided, single submitter. Criteria: ACMG Guidelines, 2015. Collection method: clinical testing. Allele origin: germline. Observed: 9 variant alleles.
Comment: BS1, BS2

Molecular Diagnostic Laboratory for Inherited Cardiovascular Disease, Montreal Heart Institute
Classification: Benign. Last evaluated: 2025-04-09. Review status: criteria provided, single submitter. Criteria: ACMG Guidelines, 2015. Collection method: clinical testing. Allele origin: germline. Affected: no.

ARUP Laboratories, Molecular Genetics and Genomics, ARUP Laboratories
Classification: Benign. Last evaluated: 2025-04-08. Review status: criteria provided, single submitter. Criteria: ARUP Molecular Germline Variant Investigation Process 2024. Collection method: clinical testing. Allele origin: germline.

CeGaT Center for Human Genetics Tuebingen
Classification: Likely benign. Last evaluated: 2025-02-01. Review status: criteria provided, single submitter. Criteria: CeGaT Center For Human Genetics Tuebingen Variant Classification Criteria Version 2. Collection method: clinical testing. Allele origin: germline. Affected: yes. Observed: 4 variant alleles.
Comment: VCL: BS2

Blueprint Genetics
Classification: Likely benign. Last evaluated: 2024-11-06. Review status: criteria provided, single submitter. Criteria: ACMG Guidelines, 2015. Collection method: clinical testing. Allele origin: germline.

Illumina Laboratory Services, Illumina
Classification: Uncertain significance for Dilated cardiomyopathy 1W. Last evaluated: 2017-04-27. Review status: criteria provided, single submitter. Criteria: ICSL Variant Classification Criteria 13 December 2019. Collection method: clinical testing. Allele origin: germline.

CHEO Genetics Diagnostic Laboratory, Children's Hospital of Eastern Ontario
Classification: Benign for Cardiomyopathy. Last evaluated: 2016-09-15. Review status: criteria provided, single submitter. Criteria: ACMG Guidelines, 2015. Collection method: clinical testing. Allele origin: germline. Study: Canadian Open Genetics Repository.

Ambry Genetics
Classification: Likely benign for Cardiovascular phenotype. Last evaluated: 2015-11-01. Review status: criteria provided, single submitter. Criteria: Ambry Variant Classification Scheme 2023. Collection method: clinical testing. Allele origin: germline.

Eurofins Ntd Llc (ga)
Classification: Likely benign. Last evaluated: 2015-02-10. Review status: criteria provided, single submitter. Criteria: EGL Classification Definitions 2015. Collection method: clinical testing. Allele origin: germline. Observed: 1 variant allele, 1 heterozygote.

GeneDx
Classification: Benign. Last evaluated: 2014-01-24. Review status: criteria provided, single submitter. Criteria: GeneDx Variant Classification (06012015). Collection method: clinical testing. Allele origin: germline. Affected: yes.
Comment: This variant is considered likely benign or benign based on one or more of the following criteria: it is a conservative change, it occurs at a poorly conserved position in the protein, it is predicted to be benign by multiple in silico algorithms, and/or has population frequency not consistent with disease.

Laboratory for Molecular Medicine, Mass General Brigham Personalized Medicine
Classification: Benign. Last evaluated: 2012-01-19. Review status: criteria provided, single submitter. Criteria: LMM Criteria. Collection method: clinical testing. Allele origin: germline. Observed: 22 variant alleles.
Comment: Val675Val in exon 15 of VCL: This variant is classified as benign based on its h igh frequency in the general population (dbSNP rs140766884; NHLBI Exome Sequenci ng Project).

PreventionGenetics, part of Exact Sciences
Classification: Likely benign. Review status: criteria provided, single submitter. Criteria: ACMG Guidelines, 2015. Collection method: clinical testing. Allele origin: germline.

Women's Health and Genetics/Laboratory Corporation of America, LabCorp
Classification: Benign for Cardiomyopathy. Last evaluated: 2015-06-09. Review status: no assertion criteria provided. Collection method: clinical testing. Allele origin: germline. Not counted in ClinVar's aggregate classification.

Clinical Genetics DNA and cytogenetics Diagnostics Lab, Erasmus MC, Erasmus Medical Center
Classification: Likely benign. Review status: no assertion criteria provided. Collection method: clinical testing. Allele origin: germline. Affected: yes. Study: VKGL Data-share Consensus. Not counted in ClinVar's aggregate classification.

Clinical Genetics, Academic Medical Center
Classification: Benign. Review status: no assertion criteria provided. Collection method: clinical testing. Allele origin: germline. Affected: yes. Study: VKGL Data-share Consensus. Not counted in ClinVar's aggregate classification.

Diagnostic Laboratory, Department of Genetics, University Medical Center Groningen
Classification: Likely benign. Review status: no assertion criteria provided. Collection method: clinical testing. Allele origin: germline. Affected: yes. Study: VKGL Data-share Consensus. Not counted in ClinVar's aggregate classification.

Genome Diagnostics Laboratory, University Medical Center Utrecht
Classification: Benign. Review status: no assertion criteria provided. Collection method: clinical testing. Allele origin: germline. Affected: yes. Study: VKGL Data-share Consensus. Not counted in ClinVar's aggregate classification.

Joint Genome Diagnostic Labs from Nijmegen and Maastricht, Radboudumc and MUMC+
Classification: Benign. Review status: no assertion criteria provided. Collection method: clinical testing. Allele origin: germline. Affected: yes. Study: VKGL Data-share Consensus. Not counted in ClinVar's aggregate classification.

Laboratory of Diagnostic Genome Analysis, Leiden University Medical Center (LUMC)
Classification: Likely benign. Review status: no assertion criteria provided. Collection method: clinical testing. Allele origin: germline. Affected: yes. Study: VKGL Data-share Consensus. Not counted in ClinVar's aggregate classification.

Literature cited by the submitters: PubMed 20474083 (cited by Mayo Clinic Laboratories, Mayo Clinic).

NM_014000.3(VCL):c.2025G>A (p.Val675=)

Gene: VCL (vinculin; plus strand). Cytogenetic location: 10q22.2.
Variant type: single nucleotide variant.
Coding change: c.2025G>A on transcript NM_014000.3 (MANE Select); coding-DNA position 2025, G replaced by A.
Protein change: p.Val675=; no amino-acid change (valine 675 retained).
Molecular consequence: synonymous variant.
Genome position (GRCh38, 1-based): chr10:74,103,822, G>A. VCF-style: chr10-74103822-G-A. GRCh37 (hg19) VCF-style: chr10-75863580-G-A.
Other names: p.V675V:GTG>GTA; p.Val675=; c.2025G>A, p.Val675= (NM_003373.4).
Identifiers: ClinVar variation 36896 (VCV000036896.77), dbSNP rs140766884, ClinGen allele CA136739.
Genomic context (GRCh38, chr10:74,103,822, plus strand): 5'-GGTTTGTATCTGGAGAGCAAGGGTGCTCTGGTGTTTAAAGGTGTTTTGTCATTGTCAGGT[G>A]GTCTCGGCTGCTCGTATCTTACTTAGGAACCCTGGAAATCAAGCTGCTTATGAACATTTT-3'
Protein context (NP_054706.1, residues 665-685): VKTARELTPQ[Val675=]VSAARILLRN